The following is an entry in ClinVar:

NM_002945.5(RPA1):c.808A>G (p.Thr270Ala)

Gene: RPA1 (replication protein A1; plus strand). Cytogenetic location: 17p13.3.
Variant type: single nucleotide variant.
Coding change: c.808A>G on transcript NM_002945.5 (MANE Select); coding-DNA position 808, A replaced by G.
Protein change: p.Thr270Ala; replaces threonine 270 with alanine.
Molecular consequence: missense variant.
Genome position (GRCh38, 1-based): chr17:1,879,263, A>G. VCF-style: chr17-1879263-A-G. GRCh37 (hg19) VCF-style: chr17-1782557-A-G.
Other names: p.T270A; c.769A>G, p.Thr257Ala (NM_001355120.2); c.808A>G, p.Thr270Ala (NM_001355121.2); short protein forms T257A, T270A.
Identifiers: ClinVar variation 1327121 (VCV001327121.6), dbSNP rs2151286956, ClinGen allele CA397560134.

ClinVar aggregate classification (germline): Uncertain significance. Review status: criteria provided, single submitter (1 of 4 stars). 2 submissions from 2 submitters: Uncertain significance (1). 1 of the submissions does not count toward it. Last evaluated 2018-09-10.

Conditions:
Pulmonary fibrosis and/or bone marrow failure, telomere-related, 6 (PFBMFT6). Also called: PULMONARY FIBROSIS AND/OR BONE MARROW FAILURE SYNDROME, TELOMERE-RELATED, 6. Identifiers: MedGen C5676927, MONDO:0030690, OMIM 619767.
RPA1-related short telomere syndrome.

Submissions (2):

Undiagnosed Diseases Network, NIH
Classification: Uncertain significance for RPA1-related short telomere syndrome. Last evaluated: 2018-09-10. Review status: criteria provided, single submitter. Criteria: ACMG Guidelines, 2015. Collection method: clinical testing. Allele origin: de novo. Inheritance: Autosomal dominant inheritance. Affected: yes. Observed: 1 variant allele, 1 heterozygote. Study: Undiagnosed Diseases Network (NIH), UDN.

OMIM
Classification: Pathogenic for PULMONARY FIBROSIS AND/OR BONE MARROW FAILURE SYNDROME, TELOMERE-RELATED, 6. Last evaluated: 2023-05-10. Review status: no assertion criteria provided. Collection method: literature only. Allele origin: germline. Not counted in ClinVar's aggregate classification.

Literature cited by the submitters: PubMed 34767620 (cited by Undiagnosed Diseases Network, NIH and OMIM).